The following is an entry in ClinVar:

ClinVar aggregate classification (germline): Uncertain significance (1 of 4 stars; one submission).

Conditions:
Intellectual developmental disorder, X-linked 104. Also called: Intellectual disability, X-linked 104. Identifiers: MedGen C4310817, MONDO:0010509, OMIM 300983.

Submission:

Broad Center for Mendelian Genomics, Broad Institute of MIT and Harvard
Classification: Uncertain significance for Intellectual developmental disorder, X-linked 104. Last evaluated: 2018-11-15. Review status: criteria provided, single submitter. Criteria: ACMG Guidelines, 2015. Collection method: research. Allele origin: germline. Inheritance: X-linked inheritance. Affected: yes.
Comment: This variant was absent from large population studies. Computational prediction tools and conservation analyses suggest that this variant may not impact the protein, though this information is not predictive enough to rule out pathogenicity. In summary, the clinical significance of the p.Gln430Glu variant is uncertain.

NM_001368397.1(FRMPD4):c.1288C>G (p.Gln430Glu)

Gene: FRMPD4 (FERM and PDZ domain containing 4; plus strand). Cytogenetic location: Xp22.2.
Variant type: single nucleotide variant.
Coding change: c.1288C>G on transcript NM_001368397.1 (MANE Select); coding-DNA position 1288, C replaced by G.
Protein change: p.Gln430Glu; replaces glutamine 430 with glutamic acid.
Molecular consequence: missense variant.
Genome position (GRCh38, 1-based): chrX:12,707,469, C>G. VCF-style: chrX-12707469-C-G. GRCh37 (hg19) VCF-style: chrX-12725588-C-G.
Other names: c.1399C>G, p.Gln467Glu (NM_001368395.3, NM_001368398.3); c.1294C>G, p.Gln432Glu (NM_001368396.3); c.1279C>G, p.Gln427Glu (NM_001368399.3); c.1168C>G, p.Gln390Glu (NM_001368400.3); c.1264C>G, p.Gln422Glu (NM_001368401.1, NM_001368402.3); c.1288C>G, p.Gln430Glu (NM_014728.3); short protein forms Q422E, Q430E, Q390E, Q427E, Q432E, Q467E.
Identifiers: ClinVar variation 800513 (VCV000800513.1), dbSNP rs1602353928, ClinGen allele CA412009136.